The following is an entry in ClinVar:

NM_015374.3(SUN2):c.800C>T (p.Ser267Leu)

Gene: SUN2 (Sad1 and UNC84 domain containing 2; minus strand). Cytogenetic location: 22q13.1.
Variant type: single nucleotide variant.
Coding change: c.800C>T on transcript NM_015374.3 (MANE Select); coding-DNA position 800, C replaced by T.
Protein change: p.Ser267Leu; replaces serine 267 with leucine.
Molecular consequence: missense variant. On other transcripts: intron variant (2).
Genome position (GRCh38, 1-based): chr22:38,745,697, G>A on the plus strand (C>T on the coding strand, the complement: SUN2 is on the minus strand). VCF-style: chr22-38745697-G-A. GRCh37 (hg19) VCF-style: chr22-39141702-G-A.
Other names: c.800C>T (NM_015374.2); c.863C>T, p.Ser288Leu (NM_001199579.2, NM_001394428.1); c.800C>T, p.Ser267Leu (NM_001199580.2, NM_001394431.1, NM_001394432.1 and 6 more transcripts); c.893C>T, p.Ser298Leu (NM_001394427.1); c.845C>T, p.Ser282Leu (NM_001394429.1, NM_001394430.1); c.710C>T, p.Ser237Leu (NM_001394438.1); c.662C>T, p.Ser221Leu (NM_001394439.1, NM_001394440.1, NM_001394441.1); c.308C>T, p.Ser103Leu (NM_001394443.1); and 1 more; short protein forms S282L, S288L, S298L, S221L, S103L, S237L, S267L.
Identifiers: ClinVar variation 1450959 (VCV001450959.7), dbSNP rs200092509, ClinGen allele CA10235773.

ClinVar aggregate classification (germline): Uncertain significance. Review status: criteria provided, multiple submitters, no conflicts (2 of 4 stars). 2 submissions from 2 submitters: Uncertain significance (2). Last evaluated 2025-11-19.

Conditions:
Emery-Dreifuss muscular dystrophy (EDMD). Also called: Scapuloperoneal syndrome, X-linked (formerly); Humeroperoneal neuromuscular disease, (formerly). Identifiers: Orphanet 261, MedGen C0410189, MONDO:0016830.

Allele frequency attached by ClinVar (database versions not stated): ExAC 0.00002; gnomAD 0.00004 and 0.00005; TOPMed 0.00005; 1000 Genomes Project 30x 0.00016; 1000 Genomes Project 0.00020.

Submissions (2):

Labcorp Genetics (formerly Invitae), Labcorp
Classification: Uncertain significance for Emery-Dreifuss muscular dystrophy. Last evaluated: 2025-11-19. Review status: criteria provided, single submitter. Criteria: Invitae Variant Classification Sherloc (09022015). Collection method: clinical testing. Allele origin: germline.
Comment: This sequence change replaces serine, which is neutral and polar, with leucine, which is neutral and non-polar, at codon 267 of the SUN2 protein (p.Ser267Leu). This variant is present in population databases (rs200092509, gnomAD 0.01%). This variant has not been reported in the literature in individuals affected with SUN2-related conditions. ClinVar contains an entry for this variant (Variation ID: 1450959). An algorithm developed to predict the effect of missense changes on protein structure and function (PolyPhen-2) suggests that this variant is likely to be tolerated. In summary, the available evidence is currently insufficient to determine the role of this variant in disease. Therefore, it has been classified as a Variant of Uncertain Significance.

Ambry Genetics
Classification: Uncertain significance. Last evaluated: 2023-09-22. Review status: criteria provided, single submitter. Criteria: Ambry Variant Classification Scheme 2023. Collection method: clinical testing. Allele origin: germline.